The following is an entry in ClinVar:

NM_005633.4(SOS1):c.2728G>A (p.Asp910Asn)

Gene: SOS1 (SOS Ras/Rac guanine nucleotide exchange factor 1; minus strand). Cytogenetic location: 2p22.1.
Variant type: single nucleotide variant.
Coding change: c.2728G>A on transcript NM_005633.4 (MANE Select); coding-DNA position 2728, G replaced by A.
Protein change: p.Asp910Asn; replaces aspartic acid 910 with asparagine.
Molecular consequence: missense variant.
Genome position (GRCh38, 1-based): chr2:39,006,475, C>T on the plus strand (G>A on the coding strand, the complement: SOS1 is on the minus strand). VCF-style: chr2-39006475-C-T. GRCh37 (hg19) VCF-style: chr2-39233616-C-T.
Other names: c.2707G>A, p.Asp903Asn (NM_001382394.1); c.2728G>A, p.Asp910Asn (NM_001382395.1); short protein forms D910N, D903N.
Identifiers: ClinVar variation 4739760 (VCV004739760.1).

ClinVar aggregate classification (germline): Uncertain significance (1 of 4 stars; one submission).

Conditions:
RASopathy. Also called: rasopathies; Noonan spectrum disorder. Identifiers: Orphanet 536391, MedGen C5555857, MONDO:0021060.

gnomAD v4.1: 2 of 1,610,300 alleles (0.00012%); highest among the groups gnomAD compares: East Asian, 0.0045%; no homozygotes.

Submission:

Labcorp Genetics (formerly Invitae), Labcorp
Classification: Uncertain significance for RASopathy. Last evaluated: 2025-02-18. Review status: criteria provided, single submitter. Criteria: Invitae Variant Classification Sherloc (09022015). Collection method: clinical testing. Allele origin: germline.
Comment: This sequence change replaces aspartic acid, which is acidic and polar, with asparagine, which is neutral and polar, at codon 910 of the SOS1 protein (p.Asp910Asn). This variant is not present in population databases (gnomAD no frequency). This variant has not been reported in the literature in individuals affected with SOS1-related conditions. Invitae Evidence Modeling of protein sequence and biophysical properties (such as structural, functional, and spatial information, amino acid conservation, physicochemical variation, residue mobility, and thermodynamic stability) indicates that this missense variant is not expected to disrupt SOS1 protein function with a negative predictive value of 95%. In summary, the available evidence is currently insufficient to determine the role of this variant in disease. Therefore, it has been classified as a Variant of Uncertain Significance.